The following is an entry in ClinVar:

NC_000008.10:g.(?_143998465)_(143999600_?)del

Gene: CYP11B2 (cytochrome P450 family 11 subfamily B member 2; minus strand). Cytogenetic location: 8q24.3.
Variant type: Deletion.
Identifiers: ClinVar variation 1074429 (VCV001074429.5).

ClinVar aggregate classification (germline): Pathogenic (1 of 4 stars; one submission).

Submission:

Labcorp Genetics (formerly Invitae), Labcorp
Classification: Pathogenic. Last evaluated: 2020-11-11. Review status: criteria provided, single submitter. Criteria: Invitae Variant Classification Sherloc (09022015). Collection method: clinical testing. Allele origin: germline.
Comment: For these reasons, this variant has been classified as Pathogenic. Loss-of-function variants in CYP11B2 are known to be pathogenic (PMID: 20494601, 22801770, 26936515). This variant has not been reported in the literature in individuals with CYP11B2-related conditions. This variant is a gross deletion of the genomic region encompassing exon(s) 1-2 of the CYP11B2 gene, which includes the initiator codon. The 5' end of this event is unknown as it extends beyond the assayed region for this gene and therefore may encompass additional genes. The 3' boundary is likely confined to intron 2 of the CYP11B2 gene. This is expected to result in an absent or disrupted protein product.

Literature cited by the submitters: PubMed 20494601; PubMed 22801770; PubMed 26936515.